The following is an entry in ClinVar:

ClinVar aggregate classification (germline): Uncertain significance. Review status: criteria provided, multiple submitters, no conflicts (2 of 4 stars). 2 submissions from 2 submitters: Uncertain significance (2). Last evaluated 2026-01-21.

Conditions:
Cardiovascular phenotype. Identifiers: MedGen CN230736.

Submissions (2):

Ambry Genetics
Classification: Uncertain significance for Cardiovascular phenotype. Last evaluated: 2026-01-21. Review status: criteria provided, single submitter. Criteria: Ambry Variant Classification Scheme 2023. Collection method: clinical testing. Allele origin: germline.
Comment: The c.1271_1276dupCAGCTG variant (also known as p.A424_A425dup), located in coding exon 7 of the TTN gene, results from an in-frame duplication of CAGCTG at nucleotide positions 1271 to 1276. This results in the duplication of 2 extra residues (AA) between codons 424 and 425. These amino acid positions are highly conserved in available vertebrate species. Based on the available evidence, the clinical significance of this variant remains unclear.

Women's Health and Genetics/Laboratory Corporation of America, LabCorp
Classification: Uncertain significance. Last evaluated: 2024-02-28. Review status: criteria provided, single submitter. Criteria: LabCorp Variant Classification Summary - May 2015. Collection method: clinical testing. Allele origin: germline.
Comment: Variant summary: TTN c.1271_1276dupCAGCTG (p.Ala424_Ala425dup) results in an in-frame duplication that is predicted to duplicate 2 amino acids into the encoded protein. The variant allele was found at a frequency of 1.2e-05 in 251236 control chromosomes. The available data on variant occurrences in the general population are insufficient to allow any conclusion about variant significance. To our knowledge, no occurrence of c.1271_1276dupCAGCTG in individuals affected with Limb-Girdle Muscular Dystrophy, Type 2J and no experimental evidence demonstrating its impact on protein function have been reported. No submitters have cited clinical-significance assessments for this variant to ClinVar. Based on the evidence outlined above, the variant was classified as uncertain significance.

NM_001267550.2(TTN):c.1271_1276dup (p.Ala425_Val426insAlaAla)

Gene: TTN (titin; minus strand). Cytogenetic location: 2q31.2.
Variant type: Duplication.
Coding change: c.1271_1276dup on transcript NM_001267550.2 (MANE Select); coding-DNA positions 1271 to 1276, 6 bases duplicated (CAGCTG; older notation c.1271_1276dupCAGCTG).
Protein change: p.Ala425_Val426insAlaAla.
Molecular consequence: inframe insertion.
Genome position (GRCh38, 1-based): chr2:178,794,521-178,794,526, CAGCTG duplicated on the plus strand (CAGCTG on the coding strand, the reverse complement: TTN is on the minus strand); duplicating any 6 consecutive bases within chr2:178,794,521-178,794,528 gives the same sequence; the c. name uses the placement nearest the transcript's 3' end. VCF-style (leftmost placement, unchanged base first): chr2-178794520-A-ACAGCTG. GRCh37 (hg19) VCF-style: chr2-179659247-A-ACAGCTG.
Other names: c.1271_1276dupCAGCTG (NM_133378.4, NM_003319.4); c.1271_1276dup, p.Ala425_Val426insAlaAla (NM_001256850.1, NM_003319.4, NM_133378.4 and 3 more transcripts).
Identifiers: ClinVar variation 3068806 (VCV003068806.3), dbSNP rs755050163, ClinGen allele CA2006100.